The following is an entry in ClinVar:

ClinVar aggregate classification (germline): Uncertain significance (1 of 4 stars; one submission).

gnomAD v4.1: 2 of 1,613,888 alleles (0.00012%); highest among the groups gnomAD compares: Non-Finnish European, 0.00017%; no homozygotes.

Submission:

Labcorp Genetics (formerly Invitae), Labcorp
Classification: Uncertain significance. Last evaluated: 2026-01-22. Review status: criteria provided, single submitter. Criteria: Invitae Variant Classification Sherloc (09022015). Collection method: clinical testing. Allele origin: germline.
Comment: This sequence change replaces threonine, which is neutral and polar, with proline, which is neutral and non-polar, at codon 610 of the SLC7A14 protein (p.Thr610Pro). This variant is not present in population databases (gnomAD no frequency). This variant has not been reported in the literature in individuals affected with SLC7A14-related conditions. An algorithm developed to predict the effect of missense changes on protein structure and function (PolyPhen-2) suggests that this variant is likely to be tolerated. In summary, the available evidence is currently insufficient to determine the role of this variant in disease. Therefore, it has been classified as a Variant of Uncertain Significance.

NM_020949.3(SLC7A14):c.1828A>C (p.Thr610Pro)

Genes: SLC7A14 (solute carrier family 7 member 14; minus strand), SLC7A14-AS1 (SLC7A14 antisense RNA 1; plus strand). Cytogenetic location: 3q26.2.
Variant type: single nucleotide variant.
Coding change: c.1828A>C on transcript NM_020949.3 (MANE Select); coding-DNA position 1828, A replaced by C.
Protein change: p.Thr610Pro; replaces threonine 610 with proline.
Molecular consequence: missense variant.
Genome position (GRCh38, 1-based): chr3:170,480,454, T>G on the plus strand (A>C on the coding strand, the complement: SLC7A14 is on the minus strand). VCF-style: chr3-170480454-T-G. GRCh37 (hg19) VCF-style: chr3-170198243-T-G.
Other names: short protein forms T610P.
Identifiers: ClinVar variation 4761219 (VCV004761219.1).